The following is an entry in ClinVar:

NM_001367624.2(ZNF469):c.2899T>G (p.Ser967Ala)

Gene: ZNF469 (zinc finger protein 469; plus strand). Cytogenetic location: 16q24.2.
Variant type: single nucleotide variant.
Coding change: c.2899T>G on transcript NM_001367624.2 (MANE Select); coding-DNA position 2899, T replaced by G.
Protein change: p.Ser967Ala; replaces serine 967 with alanine.
Molecular consequence: missense variant.
Genome position (GRCh38, 1-based): chr16:88,430,369, T>G. VCF-style: chr16-88430369-T-G. GRCh37 (hg19) VCF-style: chr16-88496777-T-G.
Other names: NM_001127464.1:c.2899T>G; short protein forms S967A.
Identifiers: ClinVar variation 1797381 (VCV001797381.2), dbSNP rs1597208212, ClinGen allele CA397076097.
Genomic context (GRCh38, chr16:88,430,369, plus strand): 5'-AGGGGGAAGCAGTTGAAGCTGTTCCGGAAGGATCTGGACTCGGGCGGCGCAGCAGAGGGG[T>G]CGGGGTCGGGCGGCGGCGGCAGAGCCTCCGGCCTGAGGCCCCGGAGGAACGACGGTCTCG-3'
Protein context (NP_001354553.1, residues 957-977): DLDSGGAAEG[Ser967Ala]GSGGGGRASG

ClinVar aggregate classification (germline): Uncertain significance (1 of 4 stars; one submission).

Conditions:
Cardiovascular phenotype. Identifiers: MedGen CN230736.

Submission:

Ambry Genetics
Classification: Uncertain significance for Cardiovascular phenotype. Last evaluated: 2021-11-19. Review status: criteria provided, single submitter. Criteria: Ambry Variant Classification Scheme 2023. Collection method: clinical testing. Allele origin: germline.
Comment: The p.S967A variant (also known as c.2899T>G), located in coding exon 1 of the ZNF469 gene, results from a T to G substitution at nucleotide position 2899. The serine at codon 967 is replaced by alanine, an amino acid with similar properties. This amino acid position is conserved. In addition, this alteration is predicted to be tolerated by in silico analysis. Since supporting evidence is limited at this time, the clinical significance of this alteration remains unclear.